The following is an entry in ClinVar:

ClinVar aggregate classification (germline): Uncertain significance (1 of 4 stars; one submission).

Conditions:
Joubert syndrome. Also called: CEREBELLOPARENCHYMAL DISORDER IV; JOUBERT-BOLTSHAUSER SYNDROME; Familial aplasia of the vermis. Identifiers: Orphanet 475, MedGen C5979921, MONDO:0018772.
Orofaciodigital syndrome I (OFD1). Also called: OFDS I; Papillon-Leage and Psaume Syndrome; Oral-Facial-Digital Syndrome Type I. Identifiers: Orphanet 2750, MedGen C1510460, MONDO:0010702, OMIM 311200.

Allele frequency attached by ClinVar (database versions not stated): gnomAD 0.00001.

Submission:

Labcorp Genetics (formerly Invitae), Labcorp
Classification: Uncertain significance for Orofaciodigital syndrome I; Joubert syndrome. Last evaluated: 2025-02-10. Review status: criteria provided, single submitter. Criteria: Invitae Variant Classification Sherloc (09022015). Collection method: clinical testing. Allele origin: germline.
Comment: This sequence change replaces isoleucine, which is neutral and non-polar, with methionine, which is neutral and non-polar, at codon 324 of the OFD1 protein (p.Ile324Met). This variant is not present in population databases (gnomAD no frequency). This variant has not been reported in the literature in individuals affected with OFD1-related conditions. ClinVar contains an entry for this variant (Variation ID: 1483255). Invitae Evidence Modeling of protein sequence and biophysical properties (such as structural, functional, and spatial information, amino acid conservation, physicochemical variation, residue mobility, and thermodynamic stability) indicates that this missense variant is not expected to disrupt OFD1 protein function with a negative predictive value of 80%. In summary, the available evidence is currently insufficient to determine the role of this variant in disease. Therefore, it has been classified as a Variant of Uncertain Significance.

NM_003611.3(OFD1):c.972A>G (p.Ile324Met)

Gene: OFD1 (OFD1 centriole and centriolar satellite protein; plus strand). Cytogenetic location: Xp22.2.
Variant type: single nucleotide variant.
Coding change: c.972A>G on transcript NM_003611.3 (MANE Select); coding-DNA position 972, A replaced by G.
Protein change: p.Ile324Met; replaces isoleucine 324 with methionine.
Molecular consequence: missense variant. On other transcripts: intron variant (1).
Genome position (GRCh38, 1-based): chrX:13,751,285, A>G. VCF-style: chrX-13751285-A-G. GRCh37 (hg19) VCF-style: chrX-13769404-A-G.
Other names: c.552A>G, p.Ile184Met (NM_001330210.2); c.935+1752A>G (NM_001330209.2); short protein forms I184M, I324M.
Identifiers: ClinVar variation 1483255 (VCV001483255.8), dbSNP rs2047490451, ClinGen allele CA412339596.